The following is an entry in ClinVar:

ClinVar aggregate classification (germline): Uncertain significance (1 of 4 stars; one submission).

Conditions:
Developmental and epileptic encephalopathy, 46 (DEE46). Also called: Epileptic encephalopathy, early infantile, 46; GRIN2D-Related Developmental and Epileptic Encephalopathy. Identifiers: MedGen C4310687, MONDO:0014947, OMIM 617162.

Allele frequency attached by ClinVar (database versions not stated): gnomAD 0.00001; TOPMed 0.00002.

Submission:

New York Genome Center
Classification: Uncertain significance for Developmental and epileptic encephalopathy, 46. Last evaluated: 2019-09-13. Review status: criteria provided, single submitter. Criteria: NYGC Assertion Criteria 2020. Collection method: clinical testing. Allele origin: germline. Observed: 1 heterozygote. Study: CSER-NYCKidSeq.
Comment: The c.3127C>T(p.Pro1043Ser) variant identified in the GRIN2D gene substitutes a well conserved Proline for Serine at amino acid 1043/1337 (coding exon 13/13). This variant is absent from gnomAD and ExAC, suggesting it is not a common benign variant in the populations represented in these databases. In silico algorithms do not agree on the effect of this variant, as it is predicted both Neutral (Provean; score: 0.15) and Damaging (SIFT; score: 0.044) to the function of the canonical transcript. This variant is absent from ClinVar and to our current knowledge has not been reported in any affected individuals in the literature. The Pro1043 residue is located within the carboxyl-terminal domain of the protein, where other pathogenic variants have been described [PMID: 31504254]. Given the lack of compelling evidence for the pathogenicity of the c.3127C>T (p.Pro1043Ser) variant identified in the GRIN2D gene, it is reported here as a Variant of Uncertain Significance.

NM_000836.4(GRIN2D):c.3127C>T (p.Pro1043Ser)

Gene: GRIN2D (glutamate ionotropic receptor NMDA type subunit 2D; plus strand). Cytogenetic location: 19q13.33.
Variant type: single nucleotide variant.
Coding change: c.3127C>T on transcript NM_000836.4 (MANE Select); coding-DNA position 3127, C replaced by T.
Protein change: p.Pro1043Ser; replaces proline 1043 with serine.
Molecular consequence: missense variant.
Genome position (GRCh38, 1-based): chr19:48,443,053, C>T. VCF-style: chr19-48443053-C-T. GRCh37 (hg19) VCF-style: chr19-48946310-C-T.
Other names: short protein forms P1043S.
Identifiers: ClinVar variation 992725 (VCV000992725.2), dbSNP rs1326711404, ClinGen allele CA406674927.
Genomic context (GRCh38, chr19:48,443,053, plus strand): 5'-GCCTTCCCCGGCTTCCCGTCGCCGCCCGCGCCCCCCGCCGCCGCGGCCACCGCCGTCGGG[C>T]CGCCACTCTGCCGCTTGGCCTTCGAGGACGAGAGCCCGCCGGCGCCCGCGCGGTGGCCGC-3'
Protein context (NP_000827.2, residues 1033-1053): PPAAAATAVG[Pro1043Ser]PLCRLAFEDE